The following is an entry in ClinVar:

NM_002693.3(POLG):c.3258G>A (p.Ser1086=)

Gene: POLG (DNA polymerase gamma, catalytic subunit; minus strand). Cytogenetic location: 15q26.1.
Variant type: single nucleotide variant.
Coding change: c.3258G>A on transcript NM_002693.3 (MANE Select); coding-DNA position 3258, G replaced by A.
Protein change: p.Ser1086=; no amino-acid change (serine 1086 retained).
Molecular consequence: synonymous variant.
Genome position (GRCh38, 1-based): chr15:89,318,946, C>T on the plus strand (G>A on the coding strand, the complement: POLG is on the minus strand). VCF-style: chr15-89318946-C-T. GRCh37 (hg19) VCF-style: chr15-89862177-C-T.
Other names: c.3258G>A, p.Ser1086= (NM_001126131.2).
Identifiers: ClinVar variation 596900 (VCV000596900.19), dbSNP rs763312940, ClinGen allele CA7724195.

ClinVar aggregate classification (germline): Conflicting classifications of pathogenicity. Review status: criteria provided, conflicting classifications (1 of 4 stars). 4 submissions from 4 submitters: Uncertain significance (1); Likely benign (3). Last evaluated 2025-10-29.

Conditions:
Progressive sclerosing poliodystrophy (MTDPS4A). Also called: Alpers-Huttenlocher Syndrome (AHS); Alpers Syndrome; ALPERS PROGRESSIVE INFANTILE POLIODYSTROPHY; Mitochondrial DNA depletion syndrome 4A (Alpers type); ALPERS DIFFUSE DEGENERATION OF CEREBRAL GRAY MATTER WITH HEPATIC CIRRHOSIS; Alpers-Huttenlocher Syndrome. Identifiers: Orphanet 726, MedGen C0205710, MONDO:0008758, OMIM 203700.

Allele frequency attached by ClinVar (database versions not stated): TOPMed 0.00003; gnomAD 0.00001; ExAC 0.00002.

Submissions (4):

Labcorp Genetics (formerly Invitae), Labcorp
Classification: Likely benign for Progressive sclerosing poliodystrophy. Last evaluated: 2025-10-29. Review status: criteria provided, single submitter. Criteria: Invitae Variant Classification Sherloc (09022015). Collection method: clinical testing. Allele origin: germline.

GeneDx
Classification: Likely benign. Last evaluated: 2019-10-13. Review status: criteria provided, single submitter. Criteria: GeneDx Variant Classification Process June 2021. Collection method: clinical testing. Allele origin: germline. Affected: yes.

Wong Mito Lab, Molecular and Human Genetics, Baylor College of Medicine
Classification: Likely benign for Progressive sclerosing poliodystrophy. Last evaluated: 2018-10-01. Review status: criteria provided, single submitter. Criteria: ACMG Guidelines, 2015. Collection method: clinical testing. Allele origin: germline.
Comment: The NM_002693.2:c.3258G>A (NP_002684.1:p.Ser1086=) [GRCH38: NC_000015.10:g.89318946C>T] variant in POLG gene is interpretated to be a Likely Benign based on ACMG guidelines (PMID: 25741868). This variant meets the following evidence codes reported in the ACMG-guideline. BP4:Computational evidence/predictors indicate no impact on the POLG structure, function, or protein-protein interaction. BP7:The variant is silent with non predicted splice impact. Based on the evidence criteria codes applied, the variant is suggested to be Likely Benign.

Eurofins Ntd Llc (ga)
Classification: Uncertain significance. Last evaluated: 2018-04-17. Review status: criteria provided, single submitter. Criteria: EGL ClinVar v180209 classification definitions. Collection method: clinical testing. Allele origin: germline. Observed: 1 variant allele, 1 heterozygote.